The following is an entry in ClinVar:

ClinVar aggregate classification (germline): Uncertain significance (1 of 4 stars; one submission).

Conditions:
Meckel-Gruber syndrome. Also called: DYSENCEPHALIA SPLANCHNOCYSTICA; GRUBER SYNDROME; Dysencephalia splachnocystica. Identifiers: Orphanet 564, MedGen C0265215, MONDO:0018921.
Joubert syndrome. Also called: CEREBELLOPARENCHYMAL DISORDER IV; JOUBERT-BOLTSHAUSER SYNDROME; Familial aplasia of the vermis. Identifiers: Orphanet 475, MedGen C5979921, MONDO:0018772.

Allele frequency attached by ClinVar (database versions not stated): gnomAD 0.00001; gnomAD exomes 0.00001; TOPMed 0.00001; ExAC 0.00002; ESP Exome Variant Server 0.00017.
gnomAD v4.1: 13 of 1,614,078 alleles (0.00081%); highest among the groups gnomAD compares: Non-Finnish European, 0.0011%; no homozygotes.

Submission:

Labcorp Genetics (formerly Invitae), Labcorp
Classification: Uncertain significance for Joubert syndrome; Meckel-Gruber syndrome. Last evaluated: 2022-07-15. Review status: criteria provided, single submitter. Criteria: Invitae Variant Classification Sherloc (09022015). Collection method: clinical testing. Allele origin: germline.
Comment: This sequence change replaces arginine, which is basic and polar, with threonine, which is neutral and polar, at codon 406 of the TCTN1 protein (p.Arg406Thr). This variant is present in population databases (rs372139162, gnomAD 0.003%). This variant has not been reported in the literature in individuals affected with TCTN1-related conditions. ClinVar contains an entry for this variant (Variation ID: 1477808). Algorithms developed to predict the effect of missense changes on protein structure and function (SIFT, PolyPhen-2, Align-GVGD) all suggest that this variant is likely to be tolerated. In summary, the available evidence is currently insufficient to determine the role of this variant in disease. Therefore, it has been classified as a Variant of Uncertain Significance.

NM_001082538.3(TCTN1):c.1217G>C (p.Arg406Thr)

Gene: TCTN1 (tectonic family member 1; plus strand). Cytogenetic location: 12q24.11.
Variant type: single nucleotide variant.
Coding change: c.1217G>C on transcript NM_001082538.3 (MANE Select); coding-DNA position 1217, G replaced by C.
Protein change: p.Arg406Thr; replaces arginine 406 with threonine.
Molecular consequence: missense variant. On other transcripts: intron variant (2).
Genome position (GRCh38, 1-based): chr12:110,642,275, G>C. VCF-style: chr12-110642275-G-C. GRCh37 (hg19) VCF-style: chr12-111080080-G-C.
Other names: c.1217G>C, p.Arg406Thr (NM_001082537.3); c.1049G>C, p.Arg350Thr (NM_001173975.3); c.683G>C, p.Arg228Thr (NM_001319681.2); c.1175G>C, p.Arg392Thr (NM_024549.6); c.1010+648G>C (NM_001173976.2); c.1190+648G>C (NM_001319680.2); short protein forms R392T, R350T, R406T, R228T.
Identifiers: ClinVar variation 1477808 (VCV001477808.5), dbSNP rs372139162, ClinGen allele CA6786848.